The following is an entry in ClinVar:

NM_001083962.2(TCF4):c.1469C>T (p.Pro490Leu)

Gene: TCF4 (transcription factor 4; minus strand). Cytogenetic location: 18q21.2.
Variant type: single nucleotide variant.
Coding change: c.1469C>T on transcript NM_001083962.2 (MANE Select); coding-DNA position 1469, C replaced by T.
Protein change: p.Pro490Leu; replaces proline 490 with leucine.
Molecular consequence: missense variant.
Genome position (GRCh38, 1-based): chr18:55,234,565, G>A on the plus strand (C>T on the coding strand, the complement: TCF4 is on the minus strand). VCF-style: chr18-55234565-G-A. GRCh37 (hg19) VCF-style: chr18-52901796-G-A.
Other names: c.1775C>T, p.Pro592Leu (NM_001243226.3); c.1397C>T, p.Pro466Leu (NM_001243227.2, NM_001306207.1, NM_001348217.1 and 5 more transcripts); c.1487C>T, p.Pro496Leu (NM_001243228.2); c.1460C>T, p.Pro487Leu (NM_001243230.2); c.1343C>T, p.Pro448Leu (NM_001243231.2, NM_001348211.2); c.1256C>T, p.Pro419Leu (NM_001243232.1, NM_001306208.1); c.1079C>T, p.Pro360Leu (NM_001243233.2, NM_001330605.3, NM_001348212.2 and 1 more transcripts); c.989C>T, p.Pro330Leu (NM_001243234.2, NM_001243235.2, NM_001243236.2 and 1 more transcripts); and 6 more; short protein forms P274L, P329L, P330L, P360L, P419L, P448L, P465L, P466L.
Identifiers: ClinVar variation 3361750 (VCV003361750.1).

ClinVar aggregate classification (germline): Uncertain significance (1 of 4 stars; one submission).

Submission:

GeneDx
Classification: Uncertain significance. Last evaluated: 2023-07-30. Review status: criteria provided, single submitter. Criteria: GeneDx Variant Classification Process June 2021. Collection method: clinical testing. Allele origin: germline. Affected: yes.
Comment: Not observed at significant frequency in large population cohorts (gnomAD); In silico analysis supports that this missense variant has a deleterious effect on protein structure/function; Has not been previously published as pathogenic or benign to our knowledge